The following is an entry in ClinVar:

NM_004304.5(ALK):c.2381G>T (p.Cys794Phe)

Gene: ALK (ALK receptor tyrosine kinase; minus strand). Cytogenetic location: 2p23.2.
Variant type: single nucleotide variant.
Coding change: c.2381G>T on transcript NM_004304.5 (MANE Select); coding-DNA position 2381, G replaced by T.
Protein change: p.Cys794Phe; replaces cysteine 794 with phenylalanine.
Molecular consequence: missense variant.
Genome position (GRCh38, 1-based): chr2:29,233,671, C>A on the plus strand (G>T on the coding strand, the complement: ALK is on the minus strand). VCF-style: chr2-29233671-C-A. GRCh37 (hg19) VCF-style: chr2-29456537-C-A.
Other names: c.2381G>T (NM_004304.4); short protein forms C794F.
Identifiers: ClinVar variation 2037152 (VCV002037152.5), dbSNP rs1664284902, ClinGen allele CA346472481.

ClinVar aggregate classification (germline): Uncertain significance. Review status: criteria provided, multiple submitters, no conflicts (2 of 4 stars). 2 submissions from 2 submitters: Uncertain significance (2). Last evaluated 2025-12-20.

Conditions:
Hereditary cancer-predisposing syndrome. Also called: Neoplastic Syndromes, Hereditary; Tumor predisposition; Hereditary Cancer Syndrome; Hereditary neoplastic syndrome. Identifiers: Orphanet 140162, MedGen C0027672, MeSH D009386, MONDO:0015356.
Neuroblastoma, susceptibility to, 3. Also called: ALK-Related Neuroblastic Tumor Susceptibility. Identifiers: Orphanet 635, MedGen C2751681, MONDO:0013083, OMIM 613014.

Submissions (2):

Ambry Genetics
Classification: Uncertain significance for Hereditary cancer-predisposing syndrome. Last evaluated: 2025-12-20. Review status: criteria provided, single submitter. Criteria: Ambry Variant Classification Scheme 2023. Collection method: clinical testing. Allele origin: germline.
Comment: The p.C794F variant (also known as c.2381G>T), located in coding exon 14 of the ALK gene, results from a G to T substitution at nucleotide position 2381. The cysteine at codon 794 is replaced by phenylalanine, an amino acid with highly dissimilar properties. This amino acid position is conserved. In addition, this alteration is predicted to be deleterious by in silico analysis. Based on the available evidence, the clinical significance of this variant remains unclear.

Labcorp Genetics (formerly Invitae), Labcorp
Classification: Uncertain significance for Neuroblastoma, susceptibility to, 3. Last evaluated: 2024-02-12. Review status: criteria provided, single submitter. Criteria: Invitae Variant Classification Sherloc (09022015). Collection method: clinical testing. Allele origin: germline.
Comment: This sequence change replaces cysteine, which is neutral and slightly polar, with phenylalanine, which is neutral and non-polar, at codon 794 of the ALK protein (p.Cys794Phe). This variant is not present in population databases (gnomAD no frequency). This variant has not been reported in the literature in individuals affected with ALK-related conditions. ClinVar contains an entry for this variant (Variation ID: 2037152). An algorithm developed to predict the effect of missense changes on protein structure and function (PolyPhen-2) suggests that this variant is likely to be disruptive. In summary, the available evidence is currently insufficient to determine the role of this variant in disease. Therefore, it has been classified as a Variant of Uncertain Significance.